The following is an entry in ClinVar:

NM_000051.4(ATM):c.7967T>C (p.Leu2656Pro)

Genes: ATM (ATM serine/threonine kinase; plus strand), C11orf65 (chromosome 11 open reading frame 65; minus strand). Cytogenetic location: 11q22.3.
Variant type: single nucleotide variant.
Coding change: c.7967T>C on transcript NM_000051.4 (MANE Select); coding-DNA position 7967, T replaced by C.
Protein change: p.Leu2656Pro; replaces leucine 2656 with proline.
Molecular consequence: missense variant. On other transcripts: intron variant (2).
Genome position (GRCh38, 1-based): chr11:108,333,925, T>C. VCF-style: chr11-108333925-T-C. GRCh37 (hg19) VCF-style: chr11-108204652-T-C.
Other names: c.7967T>C, p.Leu2656Pro (NM_001351834.2); c.641-24854A>G (NM_001330368.2); c.*38+1295A>G (NM_001351110.2); short protein forms L2656P.
Identifiers: ClinVar variation 3028 (VCV000003028.4), dbSNP rs121434218, ClinGen allele CA115935.
Genomic context (GRCh38, chr11:108,333,925, plus strand): 5'-TCTCTTCATTTTTAAATACAGAAGGCATAAATATTCCAGCAGACCAGCCAATTACTAAAC[T>C]TAAGAATTTAGAAGATGTTGTTGTCCCTACTATGGAAATTAAGGTAATTTGCAATTAACT-3'
Protein context (NP_000042.3, residues 2646-2666): NIPADQPITK[Leu2656Pro]KNLEDVVVPT

ClinVar aggregate classification (germline): Likely pathogenic. Review status: criteria provided, single submitter (1 of 4 stars). 2 submissions from 2 submitters: Likely pathogenic (1). 1 of the submissions does not count toward it. Last evaluated 2023-11-22.

Conditions:
Ataxia-telangiectasia without immunodeficiency. Identifiers: MedGen C4017102.

Submissions (2):

GeneDx
Classification: Likely pathogenic. Last evaluated: 2023-11-22. Review status: criteria provided, single submitter. Criteria: GeneDx Variant Classification Process June 2021. Collection method: clinical testing. Allele origin: germline. Affected: yes.
Comment: Published functional studies suggest a damaging effect: reduced colony survival upon exposure to ionizing radiation compared to wildtype without kinase activity (PMID: 18634022); Not observed at significant frequency in large population cohorts (gnomAD); In silico analysis supports that this missense variant has a deleterious effect on protein structure/function; This variant is associated with the following publications: (PMID: 22529920, 9450874, 18634022)

OMIM
Classification: Pathogenic for ATAXIA-TELANGIECTASIA WITHOUT IMMUNODEFICIENCY. Last evaluated: 1998-01-13. Review status: no assertion criteria provided. Collection method: literature only. Allele origin: germline. Not counted in ClinVar's aggregate classification.

Literature cited by the submitters: PubMed 9450874 (cited by OMIM).